The following is an entry in ClinVar:

NM_021803.4(IL21):c.475A>C (p.Ser159Arg)

Gene: IL21 (interleukin 21; minus strand). Cytogenetic location: 4q27.
Variant type: single nucleotide variant.
Coding change: c.475A>C on transcript NM_021803.4 (MANE Select); coding-DNA position 475, A replaced by C.
Protein change: p.Ser159Arg; replaces serine 159 with arginine.
Molecular consequence: missense variant. On other transcripts: 3 prime UTR variant (1).
Genome position (GRCh38, 1-based): chr4:122,612,724, T>G on the plus strand (A>C on the coding strand, the complement: IL21 is on the minus strand). VCF-style: chr4-122612724-T-G. GRCh37 (hg19) VCF-style: chr4-123533879-T-G.
Other names: c.*103A>C (NM_001207006.3); short protein forms S159R.
Identifiers: ClinVar variation 858592 (VCV000858592.2), dbSNP rs1799277885, ClinGen allele CA358220796.

ClinVar aggregate classification (germline): Uncertain significance (1 of 4 stars; one submission).

Submission:

Labcorp Genetics (formerly Invitae), Labcorp
Classification: Uncertain significance. Last evaluated: 2019-11-27. Review status: criteria provided, single submitter. Criteria: Invitae Variant Classification Sherloc (09022015). Collection method: clinical testing. Allele origin: germline.
Comment: This sequence change replaces serine with arginine at codon 159 of the IL21 protein (p.Ser159Arg). The serine residue is weakly conserved and there is a moderate physicochemical difference between serine and arginine. This variant is not present in population databases (ExAC no frequency). This variant has not been reported in the literature in individuals with IL21-related conditions. Algorithms developed to predict the effect of missense changes on protein structure and function (SIFT, PolyPhen-2, Align-GVGD) all suggest that this variant is likely to be tolerated, but these predictions have not been confirmed by published functional studies and their clinical significance is uncertain. In summary, the available evidence is currently insufficient to determine the role of this variant in disease. Therefore, it has been classified as a Variant of Uncertain Significance.